The following is an entry in ClinVar:

NM_016219.5(MAN1B1):c.1896+8C>T

Gene: MAN1B1 (mannosidase alpha class 1B member 1; plus strand). Cytogenetic location: 9q34.3.
Variant type: single nucleotide variant.
Coding change: c.1896+8C>T on transcript NM_016219.5 (MANE Select); 8 bases into the intron after coding-DNA position 1896, C replaced by T.
Molecular consequence: intron variant.
Genome position (GRCh38, 1-based): chr9:137,107,670, C>T. VCF-style: chr9-137107670-C-T. GRCh37 (hg19) VCF-style: chr9-140002122-C-T.
Other names: c.1896+8C>T (NM_016219.4).
Identifiers: ClinVar variation 2919141 (VCV002919141.5), dbSNP rs753917655, ClinGen allele CA5359422.
Genomic context (GRCh38, chr9:137,107,670, plus strand): 5'-AATACCAGGACTGGGGCTGGGAGATTCTGCAGAGCTTCAGCCGATTCACACGGGTGAGCA[C>T]CTGTCCTCGCCCCGCGTGGTCACGGCCACCGGGCCACAGGCACGGCTGGGCTGTGGGGCT-3'

ClinVar aggregate classification (germline): Likely benign. Review status: criteria provided, single submitter (1 of 4 stars). 2 submissions from 2 submitters: Likely benign (1). 1 of the submissions does not count toward it. Last evaluated 2026-01-13.

Conditions:
Rafiq syndrome (RAFQS). Identifiers: Orphanet 88616, MedGen C3280127, MONDO:0013624, OMIM 614202.
MAN1B1-related disorder. Also called: MAN1B1-related condition; MAN1B1-related disorders.

Allele frequency attached by ClinVar (database versions not stated): gnomAD 0.00001; ExAC 0.00002; TOPMed 0.00002.
gnomAD v4.1: 5 of 1,609,498 alleles (0.00031%); highest among the groups gnomAD compares: African/African-American, 0.0027%; no homozygotes.

Submissions (2):

Labcorp Genetics (formerly Invitae), Labcorp
Classification: Likely benign for Rafiq syndrome. Last evaluated: 2026-01-13. Review status: criteria provided, single submitter. Criteria: Invitae Variant Classification Sherloc (09022015). Collection method: clinical testing. Allele origin: germline.

PreventionGenetics, part of Exact Sciences
Classification: Likely benign for MAN1B1-related condition. Last evaluated: 2019-07-15. Review status: no assertion criteria provided. Collection method: clinical testing. Allele origin: germline. Not counted in ClinVar's aggregate classification.
Comment: This variant is classified as likely benign based on ACMG/AMP sequence variant interpretation guidelines (Richards et al. 2015 PMID: 25741868, with internal and published modifications).